The following is an entry in ClinVar:

ClinVar aggregate classification (germline): Uncertain significance (1 of 4 stars; one submission).

Conditions:
Bethlem myopathy 1A. Also called: Bethlem myopathy 1; Bethlem Muscular Dystrophy; MYOPATHY, BENIGN CONGENITAL, WITH CONTRACTURES. Identifiers: Orphanet 610, MedGen CN029274, MONDO:0024530, OMIM 158810.

Submission:

Labcorp Genetics (formerly Invitae), Labcorp
Classification: Uncertain significance for Bethlem myopathy 1A. Last evaluated: 2022-10-17. Review status: criteria provided, single submitter. Criteria: Invitae Variant Classification Sherloc (09022015). Collection method: clinical testing. Allele origin: germline.
Comment: In summary, the available evidence is currently insufficient to determine the role of this variant in disease. Therefore, it has been classified as a Variant of Uncertain Significance. Advanced modeling of protein sequence and biophysical properties (such as structural, functional, and spatial information, amino acid conservation, physicochemical variation, residue mobility, and thermodynamic stability) performed at Invitae indicates that this missense variant is expected to disrupt COL6A3 protein function. ClinVar contains an entry for this variant (Variation ID: 1494717). This variant has not been reported in the literature in individuals affected with COL6A3-related conditions. This variant is not present in population databases (gnomAD no frequency). This sequence change replaces tyrosine, which is neutral and polar, with phenylalanine, which is neutral and non-polar, at codon 2784 of the COL6A3 protein (p.Tyr2784Phe).

NM_004369.4(COL6A3):c.8351A>T (p.Tyr2784Phe)

Gene: COL6A3 (collagen type VI alpha 3 chain; minus strand). Cytogenetic location: 2q37.3.
Variant type: single nucleotide variant.
Coding change: c.8351A>T on transcript NM_004369.4 (MANE Select); coding-DNA position 8351, A replaced by T.
Protein change: p.Tyr2784Phe; replaces tyrosine 2784 with phenylalanine.
Molecular consequence: missense variant.
Genome position (GRCh38, 1-based): chr2:237,340,565, T>A on the plus strand (A>T on the coding strand, the complement: COL6A3 is on the minus strand). VCF-style: chr2-237340565-T-A. GRCh37 (hg19) VCF-style: chr2-238249208-T-A.
Other names: c.6530A>T, p.Tyr2177Phe (NM_057166.5); c.7733A>T, p.Tyr2578Phe (NM_057167.4); short protein forms Y2784F, Y2578F, Y2177F.
Identifiers: ClinVar variation 1494717 (VCV001494717.6), dbSNP rs2106319405, ClinGen allele CA351195082.